The following is an entry in ClinVar:

ClinVar aggregate classification (germline): Uncertain significance (1 of 4 stars; one submission).

Conditions:
Encephalopathy, acute, infection-induced (herpes-specific), susceptibility to, 6. Also called: Herpes simplex encephalitis, susceptibility to, 4. Identifiers: Orphanet 1930, MedGen C3553869, MONDO:0013921, OMIM 614850.

Allele frequency attached by ClinVar (database versions not stated): gnomAD 0.00001.
gnomAD v4.1: 15 of 1,613,056 alleles (0.00093%); highest among the groups gnomAD compares: African/African-American, 0.0013%; 1 homozygote.

Submission:

Labcorp Genetics (formerly Invitae), Labcorp
Classification: Uncertain significance for Encephalopathy, acute, infection-induced (herpes-specific), susceptibility to, 6. Last evaluated: 2021-08-31. Review status: criteria provided, single submitter. Criteria: Invitae Variant Classification Sherloc (09022015). Collection method: clinical testing. Allele origin: germline.
Comment: This sequence change replaces threonine with isoleucine at codon 377 of the TICAM1 protein (p.Thr377Ile). The threonine residue is weakly conserved and there is a moderate physicochemical difference between threonine and isoleucine. This variant is present in population databases (rs147816959, ExAC 0.002%). This variant has not been reported in the literature in individuals affected with TICAM1-related conditions. Algorithms developed to predict the effect of missense changes on protein structure and function (SIFT, PolyPhen-2, Align-GVGD) all suggest that this variant is likely to be tolerated. In summary, the available evidence is currently insufficient to determine the role of this variant in disease. Therefore, it has been classified as a Variant of Uncertain Significance.

NM_182919.4(TICAM1):c.1130C>T (p.Thr377Ile)

Gene: TICAM1 (TIR domain containing adaptor molecule 1; minus strand). Cytogenetic location: 19p13.3.
Variant type: single nucleotide variant.
Coding change: c.1130C>T on transcript NM_182919.4 (MANE Select); coding-DNA position 1130, C replaced by T.
Protein change: p.Thr377Ile; replaces threonine 377 with isoleucine.
Molecular consequence: missense variant.
Genome position (GRCh38, 1-based): chr19:4,817,248, G>A on the plus strand (C>T on the coding strand, the complement: TICAM1 is on the minus strand). VCF-style: chr19-4817248-G-A. GRCh37 (hg19) VCF-style: chr19-4817260-G-A.
Other names: c.1088C>T, p.Thr363Ile (NM_001385678.1); c.995C>T, p.Thr332Ile (NM_001385679.1); c.488C>T, p.Thr163Ile (NM_001385680.1); short protein forms T163I, T332I, T363I, T377I.
Identifiers: ClinVar variation 1061292 (VCV001061292.6), dbSNP rs147816959, ClinGen allele CA9105194.